The following is an entry in ClinVar:

NM_021629.4(GNB4):c.391_401dup (p.Arg134_Val135insGluMetTer)

Gene: GNB4 (G protein subunit beta 4; minus strand). Cytogenetic location: 3q26.33.
Variant type: Duplication.
Coding change: c.391_401dup on transcript NM_021629.4 (MANE Select); coding-DNA positions 391 to 401, 11 bases duplicated (GGAAATGTGAG).
Protein change: p.Arg134_Val135insGluMetTer.
Molecular consequence: nonsense, inframe insertion.
Genome position (GRCh38, 1-based): chr3:179,414,914-179,414,924, CTCACATTTCC duplicated on the plus strand (GGAAATGTGAG on the coding strand, the reverse complement: GNB4 is on the minus strand); duplicating any 11 consecutive bases within chr3:179,414,914-179,414,927 gives the same sequence; the c. name uses the placement nearest the transcript's 3' end. VCF-style (leftmost placement, unchanged base first): chr3-179414913-T-TCTCACATTTCC. GRCh37 (hg19) VCF-style: chr3-179132701-T-TCTCACATTTCC.
Identifiers: ClinVar variation 2540196 (VCV002540196.2), dbSNP rs2473904174, ClinGen allele CA2580616012.

ClinVar aggregate classification (germline): Uncertain significance (1 of 4 stars; one submission).

Conditions:
Inborn genetic diseases. Identifiers: MedGen C0950123, MeSH D030342.

Submission:

Ambry Genetics
Classification: Uncertain significance for Inborn genetic diseases. Last evaluated: 2023-05-10. Review status: criteria provided, single submitter. Criteria: Ambry Variant Classification Scheme 2023. Collection method: clinical testing. Allele origin: germline.
Comment: Loss of function has not been established as a mechanism of disease Based on insufficient or conflicting evidence, the clinical significance of this alteration remains unclear.